The following is an entry in ClinVar:

ClinVar aggregate classification (germline): Uncertain significance (1 of 4 stars; one submission).

Submission:

Labcorp Genetics (formerly Invitae), Labcorp
Classification: Uncertain significance. Last evaluated: 2023-11-10. Review status: criteria provided, single submitter. Criteria: Invitae Variant Classification Sherloc (09022015). Collection method: clinical testing. Allele origin: germline.
Comment: This sequence change replaces arginine, which is basic and polar, with glutamine, which is neutral and polar, at codon 36 of the TTPA protein (p.Arg36Gln). This variant is not present in population databases (gnomAD no frequency). This variant has not been reported in the literature in individuals affected with TTPA-related conditions. ClinVar contains an entry for this variant (Variation ID: 1471583). Advanced modeling of protein sequence and biophysical properties (such as structural, functional, and spatial information, amino acid conservation, physicochemical variation, residue mobility, and thermodynamic stability) performed at Invitae indicates that this missense variant is not expected to disrupt TTPA protein function with a negative predictive value of 80%. In summary, the available evidence is currently insufficient to determine the role of this variant in disease. Therefore, it has been classified as a Variant of Uncertain Significance.

NM_000370.3(TTPA):c.107G>A (p.Arg36Gln)

Gene: TTPA (alpha tocopherol transfer protein; minus strand). Cytogenetic location: 8q12.3.
Variant type: single nucleotide variant.
Coding change: c.107G>A on transcript NM_000370.3 (MANE Select); coding-DNA position 107, G replaced by A.
Protein change: p.Arg36Gln; replaces arginine 36 with glutamine.
Molecular consequence: missense variant.
Genome position (GRCh38, 1-based): chr8:63,085,915, C>T on the plus strand (G>A on the coding strand, the complement: TTPA is on the minus strand). VCF-style: chr8-63085915-C-T. GRCh37 (hg19) VCF-style: chr8-63998474-C-T.
Other names: short protein forms R36Q.
Identifiers: ClinVar variation 1471583 (VCV001471583.6), dbSNP rs1805744776, ClinGen allele CA371403540.